The following is an entry in ClinVar:

ClinVar aggregate classification (germline): Conflicting classifications of pathogenicity. Review status: criteria provided, conflicting classifications (1 of 4 stars). 8 submissions from 8 submitters: Uncertain significance (2); Benign (1); Likely benign (5). Last evaluated 2026-04-13.

Conditions:
Hereditary cancer-predisposing syndrome. Also called: Tumor predisposition; Hereditary Cancer Syndrome; Neoplastic Syndromes, Hereditary; Hereditary neoplastic syndrome. Identifiers: Orphanet 140162, MedGen C0027672, MeSH D009386, MONDO:0015356.
Juvenile polyposis syndrome (JPS). Identifiers: Orphanet 2929, MedGen C0345893, MONDO:0017380, OMIM 174900.

Allele frequency attached by ClinVar (database versions not stated): TOPMed 0.00001.
gnomAD v4.1: 2 of 1,613,930 alleles (0.00012%); highest among the groups gnomAD compares: Non-Finnish European, 0.000085%; no homozygotes.

Submissions (8):

Ambry Genetics
Classification: Uncertain significance for Hereditary cancer-predisposing syndrome. Last evaluated: 2026-04-13. Review status: criteria provided, single submitter. Criteria: Ambry Variant Classification Scheme 2023. Collection method: clinical testing. Allele origin: germline.
Comment: The c.297G>T variant (also known as p.G99G), located in coding exon 3 of the BMPR1A gene, results from a G to T substitution at nucleotide position 297. This nucleotide substitution does not change the amino acid at codon 99. This nucleotide position is not well conserved in available vertebrate species. In silico splice site analysis predicts that this alteration may result in the creation or strengthening of a novel splice donor site; however, direct evidence is insufficient at this time (Ambry internal data). Based on the available evidence, the clinical significance of this variant remains unclear.

Labcorp Genetics (formerly Invitae), Labcorp
Classification: Likely benign for Juvenile polyposis syndrome. Last evaluated: 2025-06-15. Review status: criteria provided, single submitter. Criteria: Invitae Variant Classification Sherloc (09022015). Collection method: clinical testing. Allele origin: germline.

Myriad Genetics, Inc.
Classification: Benign for Juvenile polyposis syndrome. Last evaluated: 2024-07-31. Review status: criteria provided, single submitter. Criteria: Myriad Autosomal Dominant, Autosomal Recessive and X-Linked Classification Criteria (2023). Collection method: clinical testing. Allele origin: unknown.
Comment: This variant is considered benign. This variant is a silent/synonymous amino acid change and it is not expected to impact splicing.

All of Us Research Program, National Institutes of Health
Classification: Likely benign for Juvenile polyposis syndrome. Last evaluated: 2023-08-28. Review status: criteria provided, single submitter. Criteria: ACMG Guidelines, 2015. Collection method: clinical testing. Allele origin: germline. Inheritance: Autosomal dominant inheritance. Observed: 2 variant alleles, 2 heterozygotes.
Comment: This study involves interpretation of variants in research participants for the purpose of population health screening. Participant phenotype was not available at the time of variant classification. Additional details can be found in publication PMID: 35346344, PMCID: PMC8962531

Quest Diagnostics Nichols Institute San Juan Capistrano
Classification: Uncertain significance. Last evaluated: 2022-12-09. Review status: criteria provided, single submitter. Criteria: Quest Diagnostics criteria. Collection method: clinical testing. Allele origin: unknown.
Comment: To the best of our knowledge, the variant has not been reported in the published literature. It also has not been reported in large, multi-ethnic general populations. Analysis of this variant using software algorithms for the prediction of the effect of nucleotide changes on splicing yielded predictions that this variant does not affect BMPR1A mRNA splicing . Based on the available information, we are unable to determine the clinical significance of this variant.

Blueprint Genetics
Classification: Likely benign. Last evaluated: 2022-07-22. Review status: criteria provided, single submitter. Criteria: ACMG Guidelines, 2015. Collection method: clinical testing. Allele origin: germline.

Sema4
Classification: Likely benign for Hereditary cancer-predisposing syndrome. Last evaluated: 2021-07-14. Review status: criteria provided, single submitter. Criteria: Sema4 Curation Guidelines. Collection method: curation. Allele origin: germline.

Color Diagnostics, LLC DBA Color Health
Classification: Likely benign for Hereditary cancer-predisposing syndrome. Last evaluated: 2017-06-12. Review status: criteria provided, single submitter. Criteria: ACMG Guidelines, 2015. Collection method: clinical testing. Allele origin: germline.

NM_004329.3(BMPR1A):c.297G>T (p.Gly99=)

Gene: BMPR1A (bone morphogenetic protein receptor type 1A; plus strand). Cytogenetic location: 10q23.2.
Variant type: single nucleotide variant.
Coding change: c.297G>T on transcript NM_004329.3 (MANE Select); coding-DNA position 297, G replaced by T.
Protein change: p.Gly99=; no amino-acid change (glycine 99 retained).
Molecular consequence: synonymous variant.
Genome position (GRCh38, 1-based): chr10:86,892,193, G>T. VCF-style: chr10-86892193-G-T. GRCh37 (hg19) VCF-style: chr10-88651950-G-T.
Identifiers: ClinVar variation 490990 (VCV000490990.20), dbSNP rs1251509897, ClinGen allele CA470305145.